The following is an entry in ClinVar:

ClinVar aggregate classification (germline): Likely benign. Review status: criteria provided, multiple submitters, no conflicts (2 of 4 stars). 2 submissions from 2 submitters: Likely benign (2). Last evaluated 2024-07-25.

Conditions:
Hereditary cancer-predisposing syndrome. Also called: Neoplastic Syndromes, Hereditary; Tumor predisposition; Hereditary Cancer Syndrome; Hereditary neoplastic syndrome. Identifiers: Orphanet 140162, MedGen C0027672, MeSH D009386, MONDO:0015356.
Familial cancer of breast. Also called: BREAST CANCER, FAMILIAL; Hereditary breast cancer; hereditary breast carcinoma. Identifiers: Orphanet 227535, MedGen C0346153, MONDO:0016419, OMIM 114480. Disease mechanism: loss of function.

Submissions (2):

Myriad Genetics, Inc.
Classification: Likely benign for Familial cancer of breast. Last evaluated: 2024-07-25. Review status: criteria provided, single submitter. Criteria: Myriad Autosomal Dominant, Autosomal Recessive and X-Linked Classification Criteria (2023). Collection method: clinical testing. Allele origin: unknown.
Comment: This variant is considered likely benign. This variant is intronic and is not expected to impact mRNA splicing.

Color Diagnostics, LLC DBA Color Health
Classification: Likely benign for Hereditary cancer-predisposing syndrome. Last evaluated: 2019-09-09. Review status: criteria provided, single submitter. Criteria: ACMG Guidelines, 2015. Collection method: clinical testing. Allele origin: germline.

NM_000465.4(BARD1):c.1569-18C>T

Gene: BARD1 (BRCA1 associated RING domain 1; minus strand). Cytogenetic location: 2q35.
Variant type: single nucleotide variant.
Coding change: c.1569-18C>T on transcript NM_000465.4 (MANE Select); 18 bases into the intron before coding-DNA position 1569, C replaced by T.
Molecular consequence: intron variant.
Genome position (GRCh38, 1-based): chr2:214,752,573, G>A on the plus strand (C>T on the coding strand, the complement: BARD1 is on the minus strand). VCF-style: chr2-214752573-G-A. GRCh37 (hg19) VCF-style: chr2-215617297-G-A.
Other names: c.159-18C>T (NM_001282548.2); c.1512-18C>T (NM_001282543.2); c.216-18C>T (NM_001282545.2); c.365-22065C>T (NM_001282549.2).
Identifiers: ClinVar variation 919053 (VCV000919053.3), dbSNP rs1693510397, ClinGen allele CA1139657678.